The following is an entry in ClinVar:

ClinVar aggregate classification (germline): Uncertain significance (1 of 4 stars; one submission).

Submission:

Ambry Genetics
Classification: Uncertain significance. Last evaluated: 2026-08-17. Review status: criteria provided, single submitter. Criteria: Ambry Variant Classification Scheme 2023. Collection method: clinical testing. Allele origin: germline.
Comment: The c.57C>A (p.Y19*) alteration, located in exon 2 (coding exon 1) of the PRORP gene, consists of a C to A substitution at nucleotide position 57. This changes the amino acid from a tyrosine (Y) to a stop codon at amino acid position 19. The predicted stop codon occurs in the 5&rsquo; end of the PRORP gene. Premature termination codons in the 5&rsquo; end of a gene have been reported to escape nonsense-mediated mRNA decay and/or lead to re-initiation (Rivas, 2015; Lindeboom, 2016; Rhee, 2017). The exact functional effect of this alteration is unknown. This variant was not reported in population-based cohorts in the Genome Aggregation Database (gnomAD). Based on insufficient or conflicting evidence, the clinical significance of this alteration remains unclear.

Literature cited by the submitters: PubMed 25954003; PubMed 27618451; PubMed 28490743.

NM_014672.4(PRORP):c.57C>A (p.Tyr19Ter)

Genes: PRORP (protein only RNase P catalytic subunit; plus strand), PRORP-PSMA6 (PRORP-PSMA6 readthrough; plus strand). Cytogenetic location: 14q13.2.
Variant type: single nucleotide variant.
Coding change: c.57C>A on transcript NM_014672.4 (MANE Select); coding-DNA position 57, C replaced by A.
Protein change: p.Tyr19Ter; replaces tyrosine 19 with a stop codon.
Molecular consequence: nonsense. On other transcripts: non-coding transcript variant (4), intron variant (3).
Genome position (GRCh38, 1-based): chr14:35,123,302, C>A. VCF-style: chr14-35123302-C-A. GRCh37 (hg19) VCF-style: chr14-35592508-C-A.
Other names: c.57C>A, p.Tyr19Ter (NM_001256678.2, NM_001414503.1); c.-131+392C>A (NM_001256680.2); c.-83+392C>A (NM_001256681.2); c.-26-203C>A (NM_001256679.2); short protein forms Y19*.
Identifiers: ClinVar variation 5027375 (VCV005027375.1).